The following is an entry in ClinVar:

ClinVar aggregate classification (germline): Uncertain significance (1 of 4 stars; one submission).

Conditions:
Dystonic disorder. Also called: Dystonia. Identifiers: MedGen C0013421, MONDO:0003441, HP:0001332.

Submission:

Labcorp Genetics (formerly Invitae), Labcorp
Classification: Uncertain significance for Dystonic disorder. Last evaluated: 2024-10-24. Review status: criteria provided, single submitter. Criteria: Invitae Variant Classification Sherloc (09022015). Collection method: clinical testing. Allele origin: germline.
Comment: This sequence change replaces threonine, which is neutral and polar, with alanine, which is neutral and non-polar, at codon 75 of the ANO3 protein (p.Thr75Ala). This variant is not present in population databases (gnomAD no frequency). This variant has not been reported in the literature in individuals affected with ANO3-related conditions. Invitae Evidence Modeling of protein sequence and biophysical properties (such as structural, functional, and spatial information, amino acid conservation, physicochemical variation, residue mobility, and thermodynamic stability) indicates that this missense variant is not expected to disrupt ANO3 protein function with a negative predictive value of 95%. In summary, the available evidence is currently insufficient to determine the role of this variant in disease. Therefore, it has been classified as a Variant of Uncertain Significance.

NM_031418.4(ANO3):c.223A>G (p.Thr75Ala)

Gene: ANO3 (anoctamin 3; plus strand). Cytogenetic location: 11p14.2.
Variant type: single nucleotide variant.
Coding change: c.223A>G on transcript NM_031418.4 (MANE Select); coding-DNA position 223, A replaced by G.
Protein change: p.Thr75Ala; replaces threonine 75 with alanine.
Molecular consequence: missense variant.
Genome position (GRCh38, 1-based): chr11:26,442,094, A>G. VCF-style: chr11-26442094-A-G. GRCh37 (hg19) VCF-style: chr11-26463641-A-G.
Other names: c.406A>G, p.Thr136Ala (NM_001313726.2); short protein forms T136A, T75A.
Identifiers: ClinVar variation 2838435 (VCV002838435.3), dbSNP rs2494620069, ClinGen allele CA380066380.